The following is an entry in ClinVar:

NM_001349206.2(LPIN1):c.1270C>T (p.Arg424Ter)

Gene: LPIN1 (lipin 1; plus strand). Cytogenetic location: 2p25.1.
Variant type: single nucleotide variant.
Coding change: c.1270C>T on transcript NM_001349206.2 (MANE Select); coding-DNA position 1270, C replaced by T.
Protein change: p.Arg424Ter; replaces arginine 424 with a stop codon.
Molecular consequence: nonsense. On other transcripts: non-coding transcript variant (1).
Genome position (GRCh38, 1-based): chr2:11,783,834, C>T. VCF-style: chr2-11783834-C-T. GRCh37 (hg19) VCF-style: chr2-11923960-C-T.
Other names: p.Arg424*; c.1360C>T, p.Arg454Ter (NM_001349207.2); c.1309C>T, p.Arg437Ter (NM_001349208.2); c.1162C>T, p.Arg388Ter (NM_145693.4, NM_001349199.2, NM_001349200.2 and 1 more transcripts); c.1180C>T, p.Arg394Ter (NM_001261427.3); c.1417C>T, p.Arg473Ter (NM_001261428.3); c.1267C>T, p.Arg423Ter (NM_001349202.2, NM_001349203.2); c.1270C>T, p.Arg424Ter (NM_001349204.2, NM_001349205.2); short protein forms R388*, R394*, R437*, R454*, R473*, R423*, R424*.
Identifiers: ClinVar variation 4911 (VCV000004911.8), dbSNP rs119480072, ClinGen allele CA117141.

ClinVar aggregate classification (germline): Pathogenic. Review status: criteria provided, multiple submitters, no conflicts (2 of 4 stars). 6 submissions from 6 submitters: Pathogenic (5). 1 of the submissions does not count toward it. Last evaluated 2026-05-04.

Conditions:
Myoglobinuria, acute recurrent, autosomal recessive. Also called: Myoglobinuria, recurrent, autosomal recessive; MYOGLOBINURIA, FAMILIAL PAROXYSMAL PARALYTIC; RHABDOMYOLYSIS, ACUTE RECURRENT. Identifiers: Orphanet 99845, MedGen C1849386, MONDO:0009992, OMIM 268200.

Allele frequency attached by ClinVar (database versions not stated): gnomAD exomes 0.00001 and 0.00002; gnomAD 0.00007 and 0.00006; ExAC 0.00002; TOPMed 0.00002.
gnomAD v4.1: 27 of 1,613,798 alleles (0.0017%); highest among the groups gnomAD compares: African/African-American, 0.013%; no homozygotes.

Submissions (6):

Department of Molecular Genetics, Istishari Arab Hospital
Classification: Pathogenic for Myoglobinuria, acute recurrent, autosomal recessive. Last evaluated: 2026-05-04. Review status: criteria provided, single submitter. Criteria: ACMG Guidelines, 2015. Collection method: clinical testing. Allele origin: germline. Inheritance: Autosomal recessive inheritance. Affected: yes.
Comment: The LPIN1 variant c.1270C>T, p.Arg424* creates a premature stop codon at position 424 in exon 9 (out of 21 exons). The variant is observed with very low frequency in the gnomAD v4.1.0 dataset (total allele frequency: <0.001%). This variant was previously reported in patients with acute recurrent Myoglobinuria and rhabdomyolysis (PMID: 32410653, 26909335, 26111941, 23928362, 22481384, 20583302, 18817903). It is classified as pathogenic according to the recommendations of ACMG/AMP/ClinGen SVI guidelines.

Laboratorio de Genetica e Diagnostico Molecular, Hospital Israelita Albert Einstein
Classification: Pathogenic for Myoglobinuria, acute recurrent, autosomal recessive. Last evaluated: 2026-01-20. Review status: criteria provided, single submitter. Criteria: ACMG Guidelines, 2015. Collection method: clinical testing. Allele origin: germline. Affected: yes.
Comment: ACMG classification criteria: PVS1 very strong, PM2 supporting, PM3 moderate

Labcorp Genetics (formerly Invitae), Labcorp
Classification: Pathogenic. Last evaluated: 2025-11-04. Review status: criteria provided, single submitter. Criteria: Invitae Variant Classification Sherloc (09022015). Collection method: clinical testing. Allele origin: germline.
Comment: This sequence change creates a premature translational stop signal (p.Arg388*) in the LPIN1 gene. It is expected to result in an absent or disrupted protein product. Loss-of-function variants in LPIN1 are known to be pathogenic (PMID: 18817903, 20583302, 22481384, 26111941). This variant is present in population databases (rs119480072, gnomAD 0.02%). This premature translational stop signal has been observed in individuals with early onset autosomal recessive myoglobinuria (PMID: 18817903, 23928362, 26909335, 32410653). ClinVar contains an entry for this variant (Variation ID: 4911). For these reasons, this variant has been classified as Pathogenic.

Fulgent Genetics
Classification: Pathogenic for Myoglobinuria, acute recurrent, autosomal recessive. Last evaluated: 2021-09-11. Review status: criteria provided, single submitter. Criteria: ACMG Guidelines, 2015. Collection method: clinical testing. Allele origin: unknown.

GeneDx
Classification: Pathogenic. Last evaluated: 2018-08-15. Review status: criteria provided, single submitter. Criteria: GeneDx Variant Classification (06012015). Collection method: clinical testing. Allele origin: germline. Affected: yes.
Comment: The R388X variant in the LPIN1 gene has been reported previously in association with autosomal recessive acute recurrent myoglobinuria when present in the homozygous state or when in trans with another disease-causing variant (Zeharia et al., 2008; Michot et al., 2010; Jaradat et al., 2016). This variant is predicted to cause loss of normal protein function either through protein truncation or nonsense-mediated mRNA decay. The R388X variant is observed in 9/277,250 (0.0032%) global alleles in large population cohorts and no individuals were reported to be homozygous (Lek et al., 2016). We interpret R388X as a pathogenic variant.

OMIM
Classification: Pathogenic for MYOGLOBINURIA, RECURRENT, AUTOSOMAL RECESSIVE. Last evaluated: 2008-10-01. Review status: no assertion criteria provided. Collection method: literature only. Allele origin: germline. Not counted in ClinVar's aggregate classification.

Literature cited by the submitters: PubMed 32410653 (cited by Department of Molecular Genetics, Istishari Arab Hospital and Labcorp Genetics (formerly Invitae), Labcorp); PubMed 26909335 (cited by Department of Molecular Genetics, Istishari Arab Hospital and Labcorp Genetics (formerly Invitae), Labcorp); PubMed 26111941 (cited by Department of Molecular Genetics, Istishari Arab Hospital and Labcorp Genetics (formerly Invitae), Labcorp); PubMed 23928362 (cited by Department of Molecular Genetics, Istishari Arab Hospital and Labcorp Genetics (formerly Invitae), Labcorp); PubMed 22481384 (cited by Department of Molecular Genetics, Istishari Arab Hospital and Labcorp Genetics (formerly Invitae), Labcorp); PubMed 20583302 (cited by Department of Molecular Genetics, Istishari Arab Hospital and Labcorp Genetics (formerly Invitae), Labcorp); PubMed 18817903 (cited by 3 submitters).